The following is an entry in ClinVar:

ClinVar aggregate classification (germline): Uncertain significance (1 of 4 stars; one submission).

Allele frequency attached by ClinVar (database versions not stated): gnomAD 0.00001; gnomAD exomes 0.00001 and 0.00002; ExAC 0.00002; TOPMed 0.00003.
gnomAD v4.1: 19 of 1,555,474 alleles (0.0012%); highest among the groups gnomAD compares: Non-Finnish European, 0.0016%; no homozygotes.

Submission:

Labcorp Genetics (formerly Invitae), Labcorp
Classification: Uncertain significance. Last evaluated: 2022-03-13. Review status: criteria provided, single submitter. Criteria: Invitae Variant Classification Sherloc (09022015). Collection method: clinical testing. Allele origin: germline.
Comment: This sequence change falls in intron 4 of the RIN2 gene. It does not directly change the encoded amino acid sequence of the RIN2 protein. It affects a nucleotide within the consensus splice site. This variant is present in population databases (rs766640360, gnomAD 0.005%). This variant has not been reported in the literature in individuals affected with RIN2-related conditions. Variants that disrupt the consensus splice site are a relatively common cause of aberrant splicing (PMID: 17576681, 9536098). Algorithms developed to predict the effect of sequence changes on RNA splicing suggest that this variant is not likely to affect RNA splicing. In summary, the available evidence is currently insufficient to determine the role of this variant in disease. Therefore, it has been classified as a Variant of Uncertain Significance.

Literature cited by the submitters: PubMed 17576681; PubMed 9536098.

NM_018993.4(RIN2):c.463+6T>C

Gene: RIN2 (Ras and Rab interactor 2; plus strand). Cytogenetic location: 20p11.23.
Variant type: single nucleotide variant.
Coding change: c.463+6T>C on transcript NM_018993.4 (MANE Select); 6 bases into the intron after coding-DNA position 463, T replaced by C.
Molecular consequence: intron variant.
Genome position (GRCh38, 1-based): chr20:19,960,817, T>C. VCF-style: chr20-19960817-T-C. GRCh37 (hg19) VCF-style: chr20-19941461-T-C.
Other names: c.-83+6T>C (NM_001378238.1); c.610+6T>C (NM_001242581.2).
Identifiers: ClinVar variation 1379466 (VCV001379466.3), dbSNP rs766640360, ClinGen allele CA9779825.